The following is an entry in ClinVar:

ClinVar aggregate classification (germline): Likely benign. Review status: criteria provided, multiple submitters, no conflicts (2 of 4 stars). 2 submissions from 2 submitters: Likely benign (2). Last evaluated 2024-09-30.

Allele frequency attached by ClinVar (database versions not stated): TOPMed below 0.00001; ExAC 0.00001; gnomAD 0.00001; gnomAD exomes 0.00002.

Submissions (2):

Labcorp Genetics (formerly Invitae), Labcorp
Classification: Likely benign. Last evaluated: 2024-09-30. Review status: criteria provided, single submitter. Criteria: Invitae Variant Classification Sherloc (09022015). Collection method: clinical testing. Allele origin: germline.

CeGaT Center for Human Genetics Tuebingen
Classification: Likely benign. Last evaluated: 2022-10-01. Review status: criteria provided, single submitter. Criteria: CeGaT Center For Human Genetics Tuebingen Variant Classification Criteria Version 2. Collection method: clinical testing. Allele origin: germline. Affected: yes. Observed: 1 variant allele.
Comment: GPAA1: BP4, BP7

NM_003801.4(GPAA1):c.1752G>A (p.Ala584=)

Gene: GPAA1 (glycosylphosphatidylinositol anchor attachment 1; plus strand). Cytogenetic location: 8q24.3.
Variant type: single nucleotide variant.
Coding change: c.1752G>A on transcript NM_003801.4 (MANE Select); coding-DNA position 1752, G replaced by A.
Protein change: p.Ala584=; no amino-acid change (alanine 584 retained).
Molecular consequence: synonymous variant.
Genome position (GRCh38, 1-based): chr8:144,086,011, G>A. VCF-style: chr8-144086011-G-A. GRCh37 (hg19) VCF-style: chr8-145140914-G-A.
Identifiers: ClinVar variation 1668266 (VCV001668266.32), dbSNP rs782610898, ClinGen allele CA4933251.
Genomic context (GRCh38, chr8:144,086,011, plus strand): 5'-GCGGGAGCTGCAGGAGGCGCCACTGTCACTGGCCGAGGGCTGGCAGCTCTTCCTGGCAGC[G>A]CTAGCCCAGGGTGTGCTGGAGCACCACACCTACGGCGCCCTGCTCTTCCCACTGCTGTCC-3'
Protein context (NP_003792.1, residues 574-594): LAEGWQLFLA[Ala584=]LAQGVLEHHT